The following is an entry in ClinVar:

NM_022835.3(PLEKHG2):c.2465G>A (p.Arg822Gln)

Gene: PLEKHG2 (pleckstrin homology and RhoGEF domain containing G2; plus strand). Cytogenetic location: 19q13.2.
Variant type: single nucleotide variant.
Coding change: c.2465G>A on transcript NM_022835.3 (MANE Select); coding-DNA position 2465, G replaced by A.
Protein change: p.Arg822Gln; replaces arginine 822 with glutamine.
Molecular consequence: missense variant. On other transcripts: intron variant (1).
Genome position (GRCh38, 1-based): chr19:39,423,519, G>A. VCF-style: chr19-39423519-G-A. GRCh37 (hg19) VCF-style: chr19-39914159-G-A.
Other names: c.2288G>A, p.Arg763Gln (NM_001351693.2); c.1677+1231G>A (NM_001351694.2); short protein forms R822Q, R763Q.
Identifiers: ClinVar variation 1406495 (VCV001406495.8), dbSNP rs147184413, ClinGen allele CA9429782.

ClinVar aggregate classification (germline): Uncertain significance (1 of 4 stars; one submission).

Allele frequency attached by ClinVar (database versions not stated): gnomAD exomes 0.00005 and 0.00011; ExAC 0.00014; 1000 Genomes Project 30x 0.00016; 1000 Genomes Project 0.00020; TOPMed 0.00022; ESP Exome Variant Server 0.00023; gnomAD 0.00026 and 0.00030.
gnomAD v4.1: 116 of 1,571,920 alleles (0.0074%); highest among the groups gnomAD compares: Middle Eastern, 0.2%; 1 homozygote.

Submission:

Labcorp Genetics (formerly Invitae), Labcorp
Classification: Uncertain significance. Last evaluated: 2024-11-04. Review status: criteria provided, single submitter. Criteria: Invitae Variant Classification Sherloc (09022015). Collection method: clinical testing. Allele origin: germline.
Comment: This sequence change replaces arginine, which is basic and polar, with glutamine, which is neutral and polar, at codon 822 of the PLEKHG2 protein (p.Arg822Gln). This variant is present in population databases (rs147184413, gnomAD 0.1%). This variant has not been reported in the literature in individuals affected with PLEKHG2-related conditions. ClinVar contains an entry for this variant (Variation ID: 1406495). An algorithm developed to predict the effect of missense changes on protein structure and function (PolyPhen-2) suggests that this variant is likely to be disruptive. In summary, the available evidence is currently insufficient to determine the role of this variant in disease. Therefore, it has been classified as a Variant of Uncertain Significance.